The following is an entry in ClinVar:

NM_015909.4(NBAS):c.5996A>G (p.Glu1999Gly)

Gene: NBAS (NBAS subunit of NRZ tethering complex; minus strand). Cytogenetic location: 2p24.3.
Variant type: single nucleotide variant.
Coding change: c.5996A>G on transcript NM_015909.4 (MANE Select); coding-DNA position 5996, A replaced by G.
Protein change: p.Glu1999Gly; replaces glutamic acid 1999 with glycine.
Molecular consequence: missense variant. On other transcripts: non-coding transcript variant (1).
Genome position (GRCh38, 1-based): chr2:15,234,695, T>C on the plus strand (A>G on the coding strand, the complement: NBAS is on the minus strand). VCF-style: chr2-15234695-T-C. GRCh37 (hg19) VCF-style: chr2-15374819-T-C.
Other names: short protein forms E1999G.
Identifiers: ClinVar variation 1509323 (VCV001509323.3), dbSNP rs146769874, ClinGen allele CA1535140.

ClinVar aggregate classification (germline): Uncertain significance (1 of 4 stars; one submission).

Allele frequency attached by ClinVar (database versions not stated): gnomAD 0.00001; gnomAD exomes 0.00001 and 0.00003; ESP Exome Variant Server 0.00008; ExAC 0.00001.
gnomAD v4.1: 49 of 1,614,086 alleles (0.003%); highest among the groups gnomAD compares: Non-Finnish European, 0.0042%; no homozygotes.

Submission:

Labcorp Genetics (formerly Invitae), Labcorp
Classification: Uncertain significance. Last evaluated: 2022-05-15. Review status: criteria provided, single submitter. Criteria: Invitae Variant Classification Sherloc (09022015). Collection method: clinical testing. Allele origin: germline.
Comment: This sequence change replaces glutamic acid, which is acidic and polar, with glycine, which is neutral and non-polar, at codon 1999 of the NBAS protein (p.Glu1999Gly). This variant is present in population databases (rs146769874, gnomAD 0.002%). This variant has not been reported in the literature in individuals affected with NBAS-related conditions. Algorithms developed to predict the effect of missense changes on protein structure and function output the following: SIFT: "Deleterious"; PolyPhen-2: "Benign"; Align-GVGD: "Class C65". The glycine amino acid residue is found in multiple mammalian species, which suggests that this missense change does not adversely affect protein function. In summary, the available evidence is currently insufficient to determine the role of this variant in disease. Therefore, it has been classified as a Variant of Uncertain Significance.